The following is an entry in ClinVar:

ClinVar aggregate classification (germline): Uncertain significance (1 of 4 stars; one submission).

Allele frequency attached by ClinVar (database versions not stated): gnomAD exomes below 0.00001.
gnomAD v4.1: 2 of 1,606,736 alleles (0.00012%); highest among the groups gnomAD compares: South Asian, 0.0011%; no homozygotes.

Submission:

Labcorp Genetics (formerly Invitae), Labcorp
Classification: Uncertain significance. Last evaluated: 2021-08-28. Review status: criteria provided, single submitter. Criteria: Invitae Variant Classification Sherloc (09022015). Collection method: clinical testing. Allele origin: germline.
Comment: This sequence change replaces aspartic acid with glutamic acid at codon 385 of the CSF2RB protein (p.Asp385Glu). The aspartic acid residue is moderately conserved and there is a small physicochemical difference between aspartic acid and glutamic acid. This variant is not present in population databases (ExAC no frequency). This variant has not been reported in the literature in individuals affected with CSF2RB-related conditions. Algorithms developed to predict the effect of missense changes on protein structure and function output the following: SIFT: "Tolerated"; PolyPhen-2: "Benign"; Align-GVGD: "Class C0". The glutamic acid amino acid residue is found in multiple mammalian species, which suggests that this missense change does not adversely affect protein function. In summary, the available evidence is currently insufficient to determine the role of this variant in disease. Therefore, it has been classified as a Variant of Uncertain Significance.

NM_000395.3(CSF2RB):c.1155C>G (p.Asp385Glu)

Gene: CSF2RB (colony stimulating factor 2 receptor subunit beta; plus strand). Cytogenetic location: 22q12.3.
Variant type: single nucleotide variant.
Coding change: c.1155C>G on transcript NM_000395.3 (MANE Select); coding-DNA position 1155, C replaced by G.
Protein change: p.Asp385Glu; replaces aspartic acid 385 with glutamic acid.
Molecular consequence: missense variant.
Genome position (GRCh38, 1-based): chr22:36,933,834, C>G. VCF-style: chr22-36933834-C-G. GRCh37 (hg19) VCF-style: chr22-37329876-C-G.
Other names: short protein forms D385E.
Identifiers: ClinVar variation 1461727 (VCV001461727.6), dbSNP rs1941211508, ClinGen allele CA411408805.